The following is an entry in ClinVar:

NM_001197104.2(KMT2A):c.2198A>T (p.Asn733Ile)

Gene: KMT2A (lysine methyltransferase 2A; plus strand). Cytogenetic location: 11q23.3.
Variant type: single nucleotide variant.
Coding change: c.2198A>T on transcript NM_001197104.2 (MANE Select); coding-DNA position 2198, A replaced by T.
Protein change: p.Asn733Ile; replaces asparagine 733 with isoleucine.
Molecular consequence: missense variant.
Genome position (GRCh38, 1-based): chr11:118,473,357, A>T. VCF-style: chr11-118473357-A-T. GRCh37 (hg19) VCF-style: chr11-118344072-A-T.
Other names: c.2198A>T, p.Asn733Ile (NM_005933.4); short protein forms N733I.
Identifiers: ClinVar variation 1484854 (VCV001484854.6), dbSNP rs1555036397, ClinGen allele CA382813485.

ClinVar aggregate classification (germline): Uncertain significance (1 of 4 stars; one submission).

Allele frequency attached by ClinVar (database versions not stated): gnomAD exomes below 0.00001.
gnomAD v4.1: 2 of 1,614,020 alleles (0.00012%); highest among the groups gnomAD compares: African/African-American, 0.0013%; no homozygotes.

Submission:

Labcorp Genetics (formerly Invitae), Labcorp
Classification: Uncertain significance. Last evaluated: 2022-06-27. Review status: criteria provided, single submitter. Criteria: Invitae Variant Classification Sherloc (09022015). Collection method: clinical testing. Allele origin: germline.
Comment: In summary, the available evidence is currently insufficient to determine the role of this variant in disease. Therefore, it has been classified as a Variant of Uncertain Significance. Advanced modeling of protein sequence and biophysical properties (such as structural, functional, and spatial information, amino acid conservation, physicochemical variation, residue mobility, and thermodynamic stability) performed at Invitae indicates that this missense variant is not expected to disrupt KMT2A protein function. This variant has not been reported in the literature in individuals affected with KMT2A-related conditions. This variant is present in population databases (no rsID available, gnomAD 0.003%). This sequence change replaces asparagine, which is neutral and polar, with isoleucine, which is neutral and non-polar, at codon 733 of the KMT2A protein (p.Asn733Ile).